The following continues an entry in ClinVar:

NM_000059.4(BRCA2):c.7017G>C (p.Lys2339Asn)

Gene: BRCA2. ClinVar aggregate classification (germline): Benign. Benign (1).

Submissions 18 to 39 of 39:

Cancer Genetics and Genomics Laboratory, British Columbia Cancer Agency
Classification: Benign. Last evaluated: 2017-04-18. Review status: criteria provided, single submitter. Criteria: ACMG Guidelines, 2015. Collection method: clinical testing. Allele origin: germline. Study: The Canadian Open Genetics Repository (COGR). Not counted in ClinVar's aggregate classification.

PreventionGenetics, part of Exact Sciences
Classification: Benign. Last evaluated: 2017-04-13. Review status: criteria provided, single submitter. Criteria: ACMG Guidelines, 2015. Collection method: clinical testing. Allele origin: germline. Not counted in ClinVar's aggregate classification.

Baylor Genetics
Classification: Benign for Familial cancer of breast. Last evaluated: 2017-02-23. Review status: criteria provided, single submitter. Criteria: ACMG Guidelines, 2015. Collection method: clinical testing. Allele origin: germline. Inheritance: Autosomal dominant inheritance. Affected: no. Not counted in ClinVar's aggregate classification.

Molecular Genetics Laboratory, University of Michigan
Classification: Benign for Breast-ovarian cancer, familial, susceptibility to, 2. Last evaluated: 2016-04-21. Review status: criteria provided, single submitter. Criteria: ACMG Guidelines, 2015. Collection method: clinical testing. Allele origin: germline. Affected: yes. Not counted in ClinVar's aggregate classification.

Laboratory for Molecular Medicine, Mass General Brigham Personalized Medicine
Classification: Benign. Last evaluated: 2016-03-28. Review status: criteria provided, single submitter. Criteria: LMM Criteria. Collection method: clinical testing. Allele origin: germline. Not counted in ClinVar's aggregate classification.
Comment: Variant identified in a genome or exome case(s) and assessed due to predicted null impact of the variant or pathogenic assertions in the literature or databases. Disclaimer: This variant has not undergone full assessment. The following are preliminary notes: ExAC: 2.7% (262/9870) African chromosomes

CHEO Genetics Diagnostic Laboratory, Children's Hospital of Eastern Ontario
Classification: Benign for Breast and/or ovarian cancer. Last evaluated: 2016-01-26. Review status: criteria provided, single submitter. Criteria: ACMG Guidelines, 2015. Collection method: clinical testing. Allele origin: germline. Study: Canadian Open Genetics Repository. Not counted in ClinVar's aggregate classification.

Clinical Genetics DNA and cytogenetics Diagnostics Lab, Erasmus MC, Erasmus Medical Center
Classification: Benign for Breast-ovarian cancer, familial, susceptibility to, 2. Last evaluated: 2015-09-21. Review status: criteria provided, single submitter. Criteria: ACGS Guidelines, 2013. Collection method: clinical testing. Allele origin: germline. Affected: yes. Study: VKGL Data-share Consensus. Not counted in ClinVar's aggregate classification.

Genomic Diagnostic Laboratory, Division of Genomic Diagnostics, Children's Hospital of Philadelphia
Classification: Likely benign for Hereditary Breast and Ovarian Cancer. Last evaluated: 2015-04-14. Review status: criteria provided, single submitter. Criteria: DGD Variant Analysis Guidelines. Collection method: clinical testing. Allele origin: unknown. Not counted in ClinVar's aggregate classification.

Color Diagnostics, LLC DBA Color Health
Classification: Benign for Hereditary cancer-predisposing syndrome. Last evaluated: 2015-03-05. Review status: criteria provided, single submitter. Criteria: ACMG Guidelines, 2015. Collection method: clinical testing. Allele origin: germline. Not counted in ClinVar's aggregate classification.

Ambry Genetics
Classification: Benign for Hereditary cancer-predisposing syndrome. Last evaluated: 2014-11-19. Review status: criteria provided, single submitter. Criteria: Ambry Variant Classification Scheme 2023. Collection method: clinical testing. Allele origin: germline. Not counted in ClinVar's aggregate classification.

Pathway Genomics
Classification: Benign for Breast-ovarian cancer, familial 2. Last evaluated: 2014-10-30. Review status: criteria provided, single submitter. Criteria: ACMG Guidelines, 2015. Collection method: clinical testing. Allele origin: germline. Not counted in ClinVar's aggregate classification.

Women's Health and Genetics/Laboratory Corporation of America, LabCorp
Classification: Benign for Hereditary breast ovarian cancer syndrome. Last evaluated: 2014-04-15. Review status: criteria provided, single submitter. Criteria: LabCorp Variant Classification Summary - May 2015. Collection method: clinical testing. Allele origin: germline. Not counted in ClinVar's aggregate classification.

Eurofins Ntd Llc (ga)
Classification: Benign. Last evaluated: 2013-12-06. Review status: criteria provided, single submitter. Criteria: EGL Classification Definitions 2015. Collection method: clinical testing. Allele origin: germline. Observed: 5 variant alleles, 5 heterozygotes. Not counted in ClinVar's aggregate classification.

Breakthrough Genomics
Classification: Benign. Review status: criteria provided, single submitter. Criteria: ACMG Guidelines, 2015. Collection method: not provided. Allele origin: germline. Inheritance: Autosomal recessive inheritance. Affected: yes. Not counted in ClinVar's aggregate classification.

Mayo Clinic Laboratories, Mayo Clinic
Classification: Benign. Last evaluated: 2017-12-23. Review status: no assertion criteria provided. Collection method: clinical testing. Allele origin: unknown. Not counted in ClinVar's aggregate classification.

Counsyl
Classification: Benign for Breast-ovarian cancer, familial 2. Last evaluated: 2014-03-18. Review status: no assertion criteria provided. Collection method: literature only. Allele origin: unknown. Inheritance: Autosomal dominant inheritance. Not counted in ClinVar's aggregate classification.

ITMI
No classification provided. Condition: AllHighlyPenetrant. Last evaluated: 2013-09-19. Review status: no classification provided. Collection method: reference population. Allele origin: germline. Not counted in ClinVar's aggregate classification.
Comment: Please see associated publication for description of ethnicities

Breast Cancer Information Core (BIC) (BRCA2)
Classification: Uncertain significance for Breast-ovarian cancer, familial 2. Last evaluated: 2002-05-29. Review status: no assertion criteria provided. Collection method: clinical testing. Allele origin: germline. Affected: yes. Observed: 66 variant alleles. Not counted in ClinVar's aggregate classification.

Clinical Genetics Laboratory, Department of Pathology, Netherlands Cancer Institute
Classification: Benign. Review status: no assertion criteria provided. Collection method: clinical testing. Allele origin: germline. Affected: yes. Study: VKGL Data-share Consensus. Not counted in ClinVar's aggregate classification.

Department of Pathology and Laboratory Medicine, Sinai Health System
Classification: Benign for Malignant tumor of breast. Review status: no assertion criteria provided. Collection method: clinical testing. Allele origin: unknown. Affected: yes. Study: The Canadian Open Genetics Repository (COGR). Not counted in ClinVar's aggregate classification.
Comment: The p.Lys2339Asn variant has been previously reported in the literature in 10/8236 proband chromosomes, and in none of the 132 control chromosomes tested (Capanu_2011_21520273, Gao_2000_11030417, Kote-Jarai_2011_21952622, Nanda_2005_16234499). It is listed in the dbSNP database as coming from a "clinical source" (ID#: rs45574331) with a MAF score of 0.006 (1000 Genomes). The variant was identified at high frequency >2.6% in African population from ExAC increasing likelihood this is a common benign polymorphism. The variant was also identified in the UMD (x19), BIC, Exome Server and the BOCs databases. In addition, in the UMD database, the p.Lys2339Asn variant was found to co-occur with a pathogenic mutation in BRCA1, c.2709_2710delTG (p.Cys903X), increasing the likelihood that the variant is a benign alteration. This residue is not conserved in mammals and computational analyses (SIFT, AlignGVGD) do not suggest a high likelihood of impact to the protein. However, this information is not predictive enough to rule out pathogenicity. In summary, based on the above information, we cannot determine the clinical significance of this variant with certainty at this time, although we would lean towards a more benign role for this variant. In summary, this variant is classified as Benign.

Genome Diagnostics Laboratory, University Medical Center Utrecht
Classification: Benign. Review status: no assertion criteria provided. Collection method: clinical testing. Allele origin: germline. Affected: yes. Study: VKGL Data-share Consensus. Not counted in ClinVar's aggregate classification.

Joint Genome Diagnostic Labs from Nijmegen and Maastricht, Radboudumc and MUMC+
Classification: Benign. Review status: no assertion criteria provided. Collection method: clinical testing. Allele origin: germline. Affected: yes. Study: VKGL Data-share Consensus. Not counted in ClinVar's aggregate classification.

Literature cited by the submitters: DOI 10.3389/fgene.2022.834265 (cited by National Health Laboratory Service, Universitas Academic Hospital and University of the Free State); PubMed 36329109 (cited by Genetics Program, Instituto Nacional de Cancer); PubMed 24728327 (cited by 3 submitters); PubMed 11030417 (cited by 3 submitters); PubMed 15955690 (cited by Illumina Laboratory Services, Illumina); PubMed 22034289 (cited by Illumina Laboratory Services, Illumina and Women's Health and Genetics/Laboratory Corporation of America, LabCorp); PubMed 21520273 (cited by Illumina Laboratory Services, Illumina and Counsyl); PubMed 18284688 (cited by Pathway Genomics); PubMed 16234499 (cited by Women's Health and Genetics/Laboratory Corporation of America, LabCorp and Counsyl); PubMed 19491284 (cited by Women's Health and Genetics/Laboratory Corporation of America, LabCorp and Counsyl); PubMed 10464609 (cited by Women's Health and Genetics/Laboratory Corporation of America, LabCorp); PubMed 12491487 (cited by Counsyl); PubMed 23320992 (cited by Counsyl); PubMed 21952622 (cited by Counsyl).